The following is an entry in ClinVar:

NM_000141.5(FGFR2):c.940-2A>G

Gene: FGFR2 (fibroblast growth factor receptor 2; minus strand). Cytogenetic location: 10q26.13.
Variant type: single nucleotide variant.
Coding change: c.940-2A>G on transcript NM_000141.5 (MANE Select); the canonical splice acceptor site of the intron before coding-DNA position 940, A replaced by G.
Molecular consequence: splice acceptor variant. On other transcripts: intron variant (7).
Genome position (GRCh38, 1-based): chr10:121,517,465, T>C on the plus strand (A>G on the coding strand, the complement: FGFR2 is on the minus strand). VCF-style: chr10-121517465-T-C. GRCh37 (hg19) VCF-style: chr10-123276979-T-C.
Other names: c.749-2146A>G (NM_001144914.1); c.595-2A>G (NM_001144918.2, NM_001441091.1, NM_001441090.1 and 1 more transcripts); c.673-2A>G (NM_001441089.1, NM_023029.3, NM_001144915.2); c.820+1217A>G (NM_001441088.1, NM_001144919.2); c.939+2514A>G (NM_001144917.2); c.940-2A>G (NM_001320658.2); c.1087+1217A>G (NM_001441087.1, NM_022970.4, NM_001144913.1); c.256-2A>G (NM_001320654.2).
Identifiers: ClinVar variation 374814 (VCV000374814.16), dbSNP rs1057519041, ClinGen allele CA16043914.

ClinVar aggregate classification (germline): Conflicting classifications of pathogenicity. Review status: criteria provided, conflicting classifications (1 of 4 stars). 7 submissions from 7 submitters: Pathogenic (5); Uncertain significance (1). 1 of the submissions does not count toward it. Last evaluated 2024-04-08.

Conditions:
Gastric cancer. Also called: Stomach cancer; Malignant tumor of stomach. Identifiers: MedGen C0024623, MeSH D013274, MONDO:0001056, OMIM 613659, HP:0012126.
Acrocephalosyndactyly type I (ACS1). Also called: Acrocephalo-syndactyly type 1; ACS 1; Syndactylic oxycephaly; Apert syndrome. Identifiers: Orphanet 87, MedGen C0001193, MONDO:0007041, OMIM 101200.
Saethre-Chotzen syndrome (SCS). Also called: CHOTZEN SYNDROME; ACROCEPHALY, SKULL ASYMMETRY, AND MILD SYNDACTYLY; ACS III. Identifiers: Orphanet 794, MedGen C0175699, MONDO:0007042, OMIM 101400.
Familial scaphocephaly syndrome, McGillivray type. Also called: SCAPHOCEPHALY, MAXILLARY RETRUSION, AND IMPAIRED INTELLECTUAL DEVELOPMENT. Identifiers: Orphanet 168624, MedGen C1865070, MONDO:0012307, OMIM 609579.
Crouzon syndrome. Also called: Craniofacial dysostosis type 1; Crouzon craniofacial dysostosis; Crouzon disease; CRANIOFACIAL DYSOSTOSIS, TYPE I; Craniofacial dysostosis. Identifiers: Orphanet 207, MedGen C0010273, MeSH D003394, MONDO:0007405, OMIM 123500, HP:0004439.
Pfeiffer syndrome (ACS5). Also called: ACS V. Identifiers: Orphanet 710, MedGen C0220658, MONDO:0007043, OMIM 101600.
Beare-Stevenson cutis gyrata syndrome (BSTVS). Identifiers: Orphanet 1555, MedGen C1852406, MONDO:0007412, OMIM 123790.
LADD syndrome 1 (LADD1). Also called: Lacrimoauriculodentodigital syndrome 1. Identifiers: MedGen C5774323, MONDO:0100302, OMIM 149730.
Bent bone dysplasia syndrome 1 (BBDS1). Also called: FGFR2-related bent bone dysplasia. Identifiers: Orphanet 313855, MedGen C3281247, MONDO:0013815, OMIM 614592.
Antley-Bixler syndrome without genital anomalies or disordered steroidogenesis (ABS2). Also called: MULTISYNOSTOTIC OSTEODYSGENESIS WITH LONG BONE FRACTURES; Antley-Bixler Syndrome, Autosomal Dominant; Trapezoidocephaly synostosis syndrome; Osteodysgenesis, multisynostotic with fractures. Identifiers: Orphanet 596008, Orphanet 83, MedGen C2936791, MONDO:0020667, OMIM 207410.
Jackson-Weiss syndrome (JWS). Also called: CRANIOSYNOSTOSIS, MIDFACIAL HYPOPLASIA, AND FOOT ABNORMALITIES. Identifiers: Orphanet 1540, MedGen C0795998, MONDO:0007400, OMIM 123150. Disease mechanism: loss of function.
FGFR2-related disorder. Identifiers: MedGen CN380096.
FGFR2-related craniosynostosis. Identifiers: MedGen CN231480.

Submissions (7):

GeneDx
Classification: Pathogenic. Last evaluated: 2024-04-08. Review status: criteria provided, single submitter. Criteria: GeneDx Variant Classification Process June 2021. Collection method: clinical testing. Allele origin: germline. Affected: yes.
Comment: Canonical splice site variant in a gene for which loss-of-function is not a known mechanism of disease; Not observed at significant frequency in large population cohorts (gnomAD); This variant is associated with the following publications: (PMID: 11781872, 16010693, 11325814, 11173845, 10394936, 27028366, 10731087, 34358384, 7795583, 33502061, 36292735, 24127277, 16418739, 25271085)

Genomic Medicine Center of Excellence, King Faisal Specialist Hospital and Research Centre
Classification: Uncertain significance for Pfeiffer syndrome. Last evaluated: 2024-03-26. Review status: criteria provided, single submitter. Criteria: ACMG Guidelines, 2015. Collection method: clinical testing. Allele origin: germline.

Labcorp Genetics (formerly Invitae), Labcorp
Classification: Pathogenic for FGFR2-related craniosynostosis. Last evaluated: 2023-01-11. Review status: criteria provided, single submitter. Criteria: Invitae Variant Classification Sherloc (09022015). Collection method: clinical testing. Allele origin: germline.
Comment: This sequence change affects an acceptor splice site in intron 7 of the FGFR2 gene. It is expected to disrupt RNA splicing. Variants that disrupt the donor or acceptor splice site typically lead to a loss of protein function (PMID: 16199547), however the current clinical and genetic evidence is not sufficient to establish whether loss-of-function variants in FGFR2 cause disease. This variant is not present in population databases (gnomAD no frequency). Disruption of this splice site has been observed in individuals with Pfeiffer syndrome (PMID: 7795583, 16418739, 25271085, 270283566). It has also been observed to segregate with disease in related individuals. ClinVar contains an entry for this variant (Variation ID: 374814). Algorithms developed to predict the effect of sequence changes on RNA splicing suggest that this variant may disrupt the consensus splice site. For these reasons, this variant has been classified as Pathogenic.

Blueprint Genetics
Classification: Pathogenic for FGFR2-related disorders. Last evaluated: 2019-10-10. Review status: criteria provided, single submitter. Criteria: ACMG Guidelines, 2015. Collection method: clinical testing. Allele origin: germline. Affected: yes. Observed: 1 variant allele.

Genomic Diagnostic Laboratory, Division of Genomic Diagnostics, Children's Hospital of Philadelphia
Classification: Pathogenic for Pfeiffer syndrome. Last evaluated: 2016-09-17. Review status: criteria provided, single submitter. Criteria: DGD Variant Analysis Guidelines. Collection method: clinical testing. Allele origin: germline. Affected: yes. Observed: 1 variant allele.
Comment: Clinical Testing

Juno Genomics, Hangzhou Juno Genomics, Inc
Classification: Pathogenic for Antley-Bixler syndrome without genital anomalies or disordered steroidogenesis; Acrocephalosyndactyly type I; Beare-Stevenson cutis gyrata syndrome; Bent bone dysplasia syndrome 1; Pfeiffer syndrome; Crouzon syndrome; Gastric cancer; Jackson-Weiss syndrome; LADD syndrome 1; Saethre-Chotzen syndrome; Familial scaphocephaly syndrome, McGillivray type. Review status: criteria provided, single submitter. Criteria: ACMG Guidelines, 2015. Collection method: clinical testing. Allele origin: germline. Affected: yes.
Comment: Null variant in a gene where loss of function (LOF) is a known mechanism of disease.;Absent from controls (or at extremely low frequency if recessive) in Genome Aggregation Database, Exome Sequencing Project, 1000 Genomes Project, or Exome Aggregation Consortium.;The prevalence of the variant in affected individuals is significantly increased compared to the prevalence in controls.;Assumed de novo, but without confirmation of paternity and maternity.

Clinical Genetics Laboratory, Federal University of Health Sciences of Porto Alegre
Classification: Pathogenic for Pfeiffer syndrome. Last evaluated: 2014-03-14. Review status: no assertion criteria provided. Collection method: research. Allele origin: de novo. Inheritance: Autosomal dominant inheritance. Affected: yes. Observed: 1 heterozygote. Segregation with disease not observed. Not counted in ClinVar's aggregate classification.

Literature cited by the submitters: PubMed 16199547 (cited by Labcorp Genetics (formerly Invitae), Labcorp); PubMed 7795583 (cited by Labcorp Genetics (formerly Invitae), Labcorp); PubMed 16418739 (cited by Labcorp Genetics (formerly Invitae), Labcorp); PubMed 25271085 (cited by Labcorp Genetics (formerly Invitae), Labcorp); PubMed 270283566 (cited by Labcorp Genetics (formerly Invitae), Labcorp).